The following is an entry in ClinVar:

ClinVar aggregate classification (germline): Uncertain significance. Review status: criteria provided, multiple submitters, no conflicts (2 of 4 stars). 4 submissions from 4 submitters: Uncertain significance (4). Last evaluated 2026-10-09.

Conditions:
Inborn genetic diseases. Identifiers: MedGen C0950123, MeSH D030342.
Mitochondrial DNA depletion syndrome 9 (MTDPS9). Also called: SUCLG1-Related Mitochondrial DNA Depletion Syndrome, Encephalomyopathic Form with Methylmalonic Aciduria. Identifiers: Orphanet 17, MedGen C3151476, MONDO:0009504, OMIM 245400.

Allele frequency attached by ClinVar (database versions not stated): ExAC 0.00006; TOPMed 0.00009; gnomAD 0.00010 and 0.00009; gnomAD exomes 0.00003; ESP Exome Variant Server 0.00009.
gnomAD v4.1: 25 of 1,550,526 alleles (0.0016%); highest among the groups gnomAD compares: African/African-American, 0.032%; no homozygotes.

Submissions (4):

GeneDx
Classification: Uncertain significance. Last evaluated: 2026-10-09. Review status: criteria provided, single submitter. Criteria: GeneDx Variant Classification Process June 2021. Collection method: clinical testing. Allele origin: germline.
Comment: Has not been previously published as pathogenic or benign to our knowledge; In silico analysis suggests that this missense variant does not alter protein structure/function

Ambry Genetics
Classification: Uncertain significance for Inborn genetic diseases. Last evaluated: 2024-12-23. Review status: criteria provided, single submitter. Criteria: Ambry Variant Classification Scheme 2023. Collection method: clinical testing. Allele origin: germline.

Women's Health and Genetics/Laboratory Corporation of America, LabCorp
Classification: Uncertain significance. Last evaluated: 2023-10-12. Review status: criteria provided, single submitter. Criteria: LabCorp Variant Classification Summary - May 2015. Collection method: clinical testing. Allele origin: germline.
Comment: Variant summary: SUCLG1 c.22G>T (p.Ala8Ser) results in a conservative amino acid change in the encoded protein sequence. Four of four in-silico tools predict a benign effect of the variant on protein function. The variant allele was found at a frequency of 2.6e-05 in 154494 control chromosomes. The available data on variant occurrences in the general population are insufficient to allow any conclusion about variant significance. To our knowledge, no occurrence of c.22G>T in individuals affected with Mitochondrial DNA Depletion Syndrome 9 and no experimental evidence demonstrating its impact on protein function have been reported. One submitter has cited clinical-significance assessments for this variant to ClinVar after 2014 and has classified the variant as uncertain significance. Based on the evidence outlined above, the variant was classified as uncertain significance.

Labcorp Genetics (formerly Invitae), Labcorp
Classification: Uncertain significance for Mitochondrial DNA depletion syndrome 9. Last evaluated: 2022-04-16. Review status: criteria provided, single submitter. Criteria: Invitae Variant Classification Sherloc (09022015). Collection method: clinical testing. Allele origin: germline.
Comment: This sequence change replaces alanine, which is neutral and non-polar, with serine, which is neutral and polar, at codon 8 of the SUCLG1 protein (p.Ala8Ser). This variant is present in population databases (rs374871796, gnomAD 0.03%). This variant has not been reported in the literature in individuals affected with SUCLG1-related conditions. Algorithms developed to predict the effect of missense changes on protein structure and function are either unavailable or do not agree on the potential impact of this missense change (SIFT: "Deleterious"; PolyPhen-2: "Not Available"; Align-GVGD: "Class C0"). In summary, the available evidence is currently insufficient to determine the role of this variant in disease. Therefore, it has been classified as a Variant of Uncertain Significance.

NM_003849.4(SUCLG1):c.22G>T (p.Ala8Ser)

Gene: SUCLG1 (succinate-CoA ligase GDP/ADP-forming subunit alpha; minus strand). Cytogenetic location: 2p11.2.
Variant type: single nucleotide variant.
Coding change: c.22G>T on transcript NM_003849.4 (MANE Select); coding-DNA position 22, G replaced by T.
Protein change: p.Ala8Ser; replaces alanine 8 with serine.
Molecular consequence: missense variant.
Genome position (GRCh38, 1-based): chr2:84,459,248, C>A on the plus strand (G>T on the coding strand, the complement: SUCLG1 is on the minus strand). VCF-style: chr2-84459248-C-A. GRCh37 (hg19) VCF-style: chr2-84686372-C-A.
Other names: c.22G>T (NM_003849.3); short protein forms A8S.
Identifiers: ClinVar variation 1352815 (VCV001352815.8), dbSNP rs374871796, ClinGen allele CA1736449.
Genomic context (GRCh38, chr2:84,459,248, plus strand): 5'-ACAGGAGACGGGCGGCGGCGAGGCCGCTGCTGCCGGAGACCATGGTAGCGATGTCAGCGG[C>A]AGCGGCAAGGGTTGCGGTCATACGCCAATGACACTCCCAGGCCCCCGGGGACCTCCCAGG-3'
Protein context (NP_003840.2, residues 1-18): MTATLAA[Ala8Ser]ADIATMVSGS